The following is an entry in ClinVar:

NM_019066.5(MAGEL2):c.570T>C (p.Ala190=)

Gene: MAGEL2 (MAGE family member L2; minus strand). Cytogenetic location: 15q11.2.
Variant type: single nucleotide variant.
Coding change: c.570T>C on transcript NM_019066.5 (MANE Select); coding-DNA position 570, T replaced by C.
Protein change: p.Ala190=; no amino-acid change (alanine 190 retained).
Molecular consequence: synonymous variant.
Genome position (GRCh38, 1-based): chr15:23,647,173, A>G on the plus strand (T>C on the coding strand, the complement: MAGEL2 is on the minus strand). VCF-style: chr15-23647173-A-G. GRCh37 (hg19) VCF-style: chr15-23892320-A-G.
Identifiers: ClinVar variation 2644996 (VCV002644996.24), dbSNP rs1172519422, ClinGen allele CA617084239.

ClinVar aggregate classification (germline): Likely benign (1 of 4 stars; one submission).

Submission:

CeGaT Center for Human Genetics Tuebingen
Classification: Likely benign. Last evaluated: 2022-03-01. Review status: criteria provided, single submitter. Criteria: CeGaT Center For Human Genetics Tuebingen Variant Classification Criteria Version 2. Collection method: clinical testing. Allele origin: germline. Affected: yes. Observed: 1 variant allele.
Comment: MAGEL2: BP4, BP7